The following is an entry in ClinVar:

NM_001374828.1(ARID1B):c.2582-1G>C

Gene: ARID1B (AT-rich interaction domain 1B; plus strand). Cytogenetic location: 6q25.3.
Variant type: single nucleotide variant.
Coding change: c.2582-1G>C on transcript NM_001374828.1 (MANE Select); the canonical splice acceptor site of the intron before coding-DNA position 2582, G replaced by C.
Molecular consequence: splice acceptor variant.
Genome position (GRCh38, 1-based): chr6:157,133,027, G>C. VCF-style: chr6-157133027-G-C. GRCh37 (hg19) VCF-style: chr6-157454161-G-C.
Other names: c.2621-1G>C (NM_001371656.1, NM_001374820.1); c.2582-1G>C (NM_017519.3); c.83-1G>C (NM_001363725.2).
Identifiers: ClinVar variation 1331618 (VCV001331618.4), dbSNP rs1788656400, ClinGen allele CA366388190.
Genomic context (GRCh38, chr6:157,133,027, plus strand): 5'-TTATGTATGCAGAGATTATGAAACACCTGCATTTATATGTTTCCATTTATTTCCCACTTA[G>C]GTTTTATGGCAGGCACACAAAGAAACCCTCAGATGGCTCAGTATGGACCTCAACAGACAG-3'

ClinVar aggregate classification (germline): Uncertain significance (1 of 4 stars; one submission).

Submission:

Greenwood Genetic Center Diagnostic Laboratories, Greenwood Genetic Center
Classification: Uncertain significance. Last evaluated: 2021-03-17. Review status: criteria provided, single submitter. Criteria: ACMG Guidelines, 2015. Collection method: clinical testing. Allele origin: germline. Affected: yes.
Comment: PP3, PM2